The following is an entry in ClinVar:

NM_001145809.2(MYH14):c.552C>T (p.Ser184=)

Gene: MYH14 (myosin heavy chain 14; plus strand). Cytogenetic location: 19q13.33.
Variant type: single nucleotide variant.
Coding change: c.552C>T on transcript NM_001145809.2 (MANE Select); coding-DNA position 552, C replaced by T.
Protein change: p.Ser184=; no amino-acid change (serine 184 retained).
Molecular consequence: synonymous variant.
Genome position (GRCh38, 1-based): chr19:50,217,761, C>T. VCF-style: chr19-50217761-C-T. GRCh37 (hg19) VCF-style: chr19-50721018-C-T.
Other names: c.552C>T, p.Ser184= (NM_001077186.2, NM_024729.4).
Identifiers: ClinVar variation 1310866 (VCV001310866.2), dbSNP rs1371704376, ClinGen allele CA508175548.
Genomic context (GRCh38, chr19:50,217,761, plus strand): 5'-CAAGAAGCGCCACGAGGTGCCACCCCACGTGTACGCAGTGACCGAGGGGGCCTATCGGAG[C>T]ATGCTGCAGGGTGAGTGCTGGGTGGGGCTGTAGGCCAGCGAGGCGGCTCTTCAACGGGGG-3'
Protein context (NP_001139281.1, residues 174-194): VYAVTEGAYR[Ser184=]MLQDREDQSI

ClinVar aggregate classification (germline): Uncertain significance (1 of 4 stars; one submission).

Allele frequency attached by ClinVar (database versions not stated): gnomAD exomes below 0.00001; gnomAD 0.00001 and 0.00002; TOPMed 0.00004.
gnomAD v4.1: 3 of 1,613,524 alleles (0.00019%); highest among the groups gnomAD compares: Non-Finnish European, 0.00025%; no homozygotes.

Submission:

GeneDx
Classification: Uncertain significance. Last evaluated: 2019-12-02. Review status: criteria provided, single submitter. Criteria: GeneDx Variant Classification Process June 2021. Collection method: clinical testing. Allele origin: germline. Affected: yes.
Comment: Not observed in large population cohorts (Lek et al., 2016); In silico analysis, which includes splice predictors and evolutionary conservation, supports that this variant does not alter protein structure/function; Has not been previously published as pathogenic or benign to our knowledge